The following is an entry in ClinVar:

ClinVar aggregate classification (germline): Pathogenic (1 of 4 stars; one submission).

Submission:

Labcorp Genetics (formerly Invitae), Labcorp
Classification: Pathogenic. Last evaluated: 2022-08-23. Review status: criteria provided, single submitter. Criteria: Invitae Variant Classification Sherloc (09022015). Collection method: clinical testing. Allele origin: germline.
Comment: For these reasons, this variant has been classified as Pathogenic. This variant disrupts a region of the EBP protein in which other variant(s) (p.His181Profs*25) have been determined to be pathogenic (PMID: 15953085; Invitae). This suggests that this is a clinically significant region of the protein, and that variants that disrupt it are likely to be disease-causing. Algorithms developed to predict the effect of sequence changes on RNA splicing suggest that this variant may create or strengthen a splice site. This variant has not been reported in the literature in individuals affected with EBP-related conditions. This variant is not present in population databases (gnomAD no frequency). This sequence change creates a premature translational stop signal (p.Asp162Valfs*6) in the EBP gene. While this is not anticipated to result in nonsense mediated decay, it is expected to disrupt the last 69 amino acid(s) of the EBP protein.

Literature cited by the submitters: PubMed 15953085.

NM_006579.3(EBP):c.485del (p.Asp162fs)

Gene: EBP (EBP cholestenol delta-isomerase; plus strand). Cytogenetic location: Xp11.23.
Variant type: Deletion.
Coding change: c.485del on transcript NM_006579.3 (MANE Select); coding-DNA position 485, one base deleted (A; older notation c.485delA).
Protein change: p.Asp162fs; shifts the reading frame from aspartic acid 162.
Molecular consequence: frameshift variant.
Genome position (GRCh38, 1-based): chrX:48,528,249, A deleted. VCF-style (leftmost placement, unchanged base first): chrX-48528248-GA-G. GRCh37 (hg19) VCF-style: chrX-48386636-GA-G.
Other names: short protein forms D162fs.
Identifiers: ClinVar variation 2015626 (VCV002015626.4), dbSNP rs2519112476, ClinGen allele CA2580101046.